The following is an entry in ClinVar:

ClinVar aggregate classification (germline): Uncertain significance (1 of 4 stars; one submission).

Submission:

Labcorp Genetics (formerly Invitae), Labcorp
Classification: Uncertain significance. Last evaluated: 2021-12-02. Review status: criteria provided, single submitter. Criteria: Invitae Variant Classification Sherloc (09022015). Collection method: clinical testing. Allele origin: germline.
Comment: This variant is not present in population databases (gnomAD no frequency). This sequence change replaces lysine, which is basic and polar, with arginine, which is basic and polar, at codon 232 of the TAF2 protein (p.Lys232Arg). This variant has not been reported in the literature in individuals affected with TAF2-related conditions. Algorithms developed to predict the effect of missense changes on protein structure and function are either unavailable or do not agree on the potential impact of this missense change (SIFT: "Tolerated"; PolyPhen-2: "Possibly Damaging"; Align-GVGD: "Class C0"). In summary, the available evidence is currently insufficient to determine the role of this variant in disease. Therefore, it has been classified as a Variant of Uncertain Significance.

NM_003184.4(TAF2):c.695A>G (p.Lys232Arg)

Gene: TAF2 (TATA-box binding protein associated factor 2; minus strand). Cytogenetic location: 8q24.12.
Variant type: single nucleotide variant.
Coding change: c.695A>G on transcript NM_003184.4 (MANE Select); coding-DNA position 695, A replaced by G.
Protein change: p.Lys232Arg; replaces lysine 232 with arginine.
Molecular consequence: missense variant.
Genome position (GRCh38, 1-based): chr8:119,801,891, T>C on the plus strand (A>G on the coding strand, the complement: TAF2 is on the minus strand). VCF-style: chr8-119801891-T-C. GRCh37 (hg19) VCF-style: chr8-120814131-T-C.
Other names: short protein forms K232R.
Identifiers: ClinVar variation 1477941 (VCV001477941.8), dbSNP rs2131207551, ClinGen allele CA371892002.